The following is an entry in ClinVar:

ClinVar aggregate classification (germline): Uncertain significance (1 of 4 stars; one submission).

gnomAD v4.1: 4 of 1,595,248 alleles (0.00025%); highest among the groups gnomAD compares: Non-Finnish European, 0.00034%; no homozygotes.

Submission:

GeneDx
Classification: Uncertain significance. Last evaluated: 2026-03-05. Review status: criteria provided, single submitter. Criteria: GeneDx Variant Classification Process June 2021. Collection method: clinical testing. Allele origin: germline.
Comment: Nonsense variant predicted to result in protein truncation or nonsense mediated decay in a gene or region of a gene for which loss of function is not a well-established mechanism of disease; Not observed at significant frequency in large population cohorts (gnomAD); Has not been previously published as pathogenic or benign to our knowledge

NM_018896.5(CACNA1G):c.2209C>T (p.Arg737Ter)

Gene: CACNA1G (calcium voltage-gated channel subunit alpha1 G; plus strand). Cytogenetic location: 17q21.33.
Variant type: single nucleotide variant.
Coding change: c.2209C>T on transcript NM_018896.5 (MANE Select); coding-DNA position 2209, C replaced by T.
Protein change: p.Arg737Ter; replaces arginine 737 with a stop codon.
Molecular consequence: nonsense. On other transcripts: non-coding transcript variant (5).
Genome position (GRCh38, 1-based): chr17:50,578,472, C>T. VCF-style: chr17-50578472-C-T. GRCh37 (hg19) VCF-style: chr17-48655833-C-T.
Other names: c.2209C>T, p.Arg737Ter (NM_001256324.2, NM_001256325.2, NM_001256326.2 and 24 more transcripts); short protein forms R737*.
Identifiers: ClinVar variation 4888182 (VCV004888182.1).